The following is an entry in ClinVar:

ClinVar aggregate classification (germline): Uncertain significance. Review status: criteria provided, multiple submitters, no conflicts (2 of 4 stars). 2 submissions from 2 submitters: Uncertain significance (2). Last evaluated 2025-03-17.

Allele frequency attached by ClinVar (database versions not stated): TOPMed below 0.00001; gnomAD exomes 0.00001; ExAC 0.00002; 1000 Genomes Project 0.00020; 1000 Genomes Project 30x 0.00031.
gnomAD v4.1: 16 of 1,614,090 alleles (0.00099%); highest among the groups gnomAD compares: Admixed American, 0.005%; no homozygotes.

Submissions (2):

Labcorp Genetics (formerly Invitae), Labcorp
Classification: Uncertain significance. Last evaluated: 2025-03-17. Review status: criteria provided, single submitter. Criteria: Invitae Variant Classification Sherloc (09022015). Collection method: clinical testing. Allele origin: germline.
Comment: This sequence change replaces alanine, which is neutral and non-polar, with valine, which is neutral and non-polar, at codon 156 of the CA4 protein (p.Ala156Val). This variant is present in population databases (rs200724822, gnomAD 0.002%). This variant has not been reported in the literature in individuals affected with CA4-related conditions. ClinVar contains an entry for this variant (Variation ID: 840018). An algorithm developed to predict the effect of missense changes on protein structure and function outputs the following: PolyPhen-2: "Benign". The valine amino acid residue is found in multiple mammalian species, which suggests that this missense change does not adversely affect protein function. In summary, the available evidence is currently insufficient to determine the role of this variant in disease. Therefore, it has been classified as a Variant of Uncertain Significance.

Ambry Genetics
Classification: Uncertain significance. Last evaluated: 2022-06-30. Review status: criteria provided, single submitter. Criteria: Ambry Variant Classification Scheme 2023. Collection method: clinical testing. Allele origin: germline.

NM_000717.5(CA4):c.467C>T (p.Ala156Val)

Gene: CA4 (carbonic anhydrase 4; plus strand). Cytogenetic location: 17q23.1.
Variant type: single nucleotide variant.
Coding change: c.467C>T on transcript NM_000717.5 (MANE Select); coding-DNA position 467, C replaced by T.
Protein change: p.Ala156Val; replaces alanine 156 with valine.
Molecular consequence: missense variant. On other transcripts: non-coding transcript variant (1).
Genome position (GRCh38, 1-based): chr17:60,157,742, C>T. VCF-style: chr17-60157742-C-T. GRCh37 (hg19) VCF-style: chr17-58235103-C-T.
Other names: c.467C>T (NM_000717.3); short protein forms A156V.
Identifiers: ClinVar variation 840018 (VCV000840018.9), dbSNP rs200724822, ClinGen allele CA8685370.